The following is an entry in ClinVar:

NM_005876.5(SPEG):c.143C>T (p.Pro48Leu)

Gene: SPEG (striated muscle enriched protein kinase; plus strand). Cytogenetic location: 2q35.
Variant type: single nucleotide variant.
Coding change: c.143C>T on transcript NM_005876.5 (MANE Select); coding-DNA position 143, C replaced by T.
Protein change: p.Pro48Leu; replaces proline 48 with leucine.
Molecular consequence: missense variant.
Genome position (GRCh38, 1-based): chr2:219,435,120, C>T. VCF-style: chr2-219435120-C-T. GRCh37 (hg19) VCF-style: chr2-220299842-C-T.
Other names: short protein forms P48L.
Identifiers: ClinVar variation 2061964 (VCV002061964.4), dbSNP rs2545288763, ClinGen allele CA350703943.

ClinVar aggregate classification (germline): Uncertain significance (1 of 4 stars; one submission).

Allele frequency attached by ClinVar (database versions not stated): gnomAD exomes 0.00001.
gnomAD v4.1: 5 of 1,457,216 alleles (0.00034%); highest among the groups gnomAD compares: Non-Finnish European, 0.00045%; no homozygotes.

Submission:

Labcorp Genetics (formerly Invitae), Labcorp
Classification: Uncertain significance. Last evaluated: 2021-12-27. Review status: criteria provided, single submitter. Criteria: Invitae Variant Classification Sherloc (09022015). Collection method: clinical testing. Allele origin: germline.
Comment: In summary, the available evidence is currently insufficient to determine the role of this variant in disease. Therefore, it has been classified as a Variant of Uncertain Significance. Algorithms developed to predict the effect of missense changes on protein structure and function are either unavailable or do not agree on the potential impact of this missense change (SIFT: "Deleterious"; PolyPhen-2: "Benign"; Align-GVGD: "Class C0"). This variant has not been reported in the literature in individuals affected with SPEG-related conditions. This variant is not present in population databases (gnomAD no frequency). This sequence change replaces proline, which is neutral and non-polar, with leucine, which is neutral and non-polar, at codon 48 of the SPEG protein (p.Pro48Leu).